The following is an entry in ClinVar:

ClinVar aggregate classification (germline): Pathogenic/Likely pathogenic. Review status: criteria provided, multiple submitters, no conflicts (2 of 4 stars). 5 submissions from 5 submitters: Pathogenic (1); Likely pathogenic (4). Last evaluated 2026-01-09.

Conditions:
Usher syndrome type 1G. Also called: USHER SYNDROME, TYPE IG, MILD. Identifiers: Orphanet 231169, Orphanet 886, MedGen C1847089, MONDO:0011748, OMIM 606943.
USH1G-related disorder. Also called: USH1G-related condition; USH1G-related disorders.

Allele frequency attached by ClinVar (database versions not stated): TOPMed below 0.00001; gnomAD exomes 0.00001.

Submissions (5):

Labcorp Genetics (formerly Invitae), Labcorp
Classification: Pathogenic. Last evaluated: 2026-01-09. Review status: criteria provided, single submitter. Criteria: Invitae Variant Classification Sherloc (09022015). Collection method: clinical testing. Allele origin: germline.
Comment: This sequence change falls in intron 1 of the USH1G gene. It does not directly change the encoded amino acid sequence of the USH1G protein. It affects a nucleotide within the consensus splice site. This variant is present in population databases (no rsID available, gnomAD 0.01%). This variant has been observed in individual(s) with clinical features of Usher syndrome (PMID: 33095980, 33946315; internal data). ClinVar contains an entry for this variant (Variation ID: 1023449). Variants that disrupt the consensus splice site are a relatively common cause of aberrant splicing (PMID: 17576681, 9536098). Algorithms developed to predict the effect of sequence changes on RNA splicing suggest that this variant may disrupt the consensus splice site. For these reasons, this variant has been classified as Pathogenic.

Fulgent Genetics
Classification: Likely pathogenic for Usher syndrome type 1G. Last evaluated: 2024-05-29. Review status: criteria provided, single submitter. Criteria: ACMG Guidelines, 2015. Collection method: clinical testing. Allele origin: germline.

Blueprint Genetics
Classification: Likely pathogenic for USH1G-related disorders. Last evaluated: 2024-05-03. Review status: criteria provided, single submitter. Criteria: ACMG Guidelines, 2015. Collection method: clinical testing. Allele origin: germline. Affected: yes. Observed: 2 variant alleles.

3billion
Classification: Likely pathogenic for Usher syndrome type 1G. Last evaluated: 2024-02-22. Review status: criteria provided, single submitter. Criteria: ACMG Guidelines, 2015. Collection method: clinical testing. Allele origin: germline. Affected: yes.
Comment: The variant is observed at an extremely low frequency in the gnomAD v2.1.1 dataset (total allele frequency: <0.001%). Predicted Consequence/Location: Intron variant In silico tools predict the variant to alter splicing and produce an abnormal transcript [SpliceAI: 0.94 (>=0.2, moderate evidence for spliceogenicity)]. The variant has been reported to be in trans with a pathogenic variant as either compound heterozygous or homozygous in at least one similarly affected unrelated individual (PMID: 33095980, 33946315). The variant has been reported to co-segregate with the disease in at least one similarly affected relative/individual in the same family or similarly affected unrelated family (PMID: 33095980). The variant has been reported at least twice as pathogenic without evidence for the classification (ClinVar ID: VCV001023449 /3billion dataset). Therefore, this variant is classified as Likely pathogenic according to the recommendation of ACMG/AMP guideline.

Juno Genomics, Hangzhou Juno Genomics, Inc
Classification: Likely pathogenic for Usher syndrome type 1G. Review status: criteria provided, single submitter. Criteria: ACMG Guidelines, 2015. Collection method: clinical testing. Allele origin: germline.
Comment: Absent from controls (or at extremely low frequency if recessive) in Genome Aggregation Database.;Well-established in vitro or in vivo functional studies supportive of a damaging effect on the gene or gene product.;For recessive disorders, detected in trans with a pathogenic variant.;Co-segregation with disease in multiple affected family members.

Literature cited by the submitters: PubMed 33095980 (cited by Labcorp Genetics (formerly Invitae), Labcorp and 3billion); PubMed 33946315 (cited by Labcorp Genetics (formerly Invitae), Labcorp and 3billion); PubMed 17576681 (cited by Labcorp Genetics (formerly Invitae), Labcorp); PubMed 9536098 (cited by Labcorp Genetics (formerly Invitae), Labcorp).

NM_173477.5(USH1G):c.164+5G>A

Gene: USH1G (USH1 protein network component sans; minus strand). Cytogenetic location: 17q25.1.
Variant type: single nucleotide variant.
Coding change: c.164+5G>A on transcript NM_173477.5 (MANE Select); 5 bases into the intron after coding-DNA position 164, G replaced by A.
Molecular consequence: intron variant.
Genome position (GRCh38, 1-based): chr17:74,922,905, C>T on the plus strand (G>A on the coding strand, the complement: USH1G is on the minus strand). VCF-style: chr17-74922905-C-T. GRCh37 (hg19) VCF-style: chr17-72919000-C-T.
Other names: c.-93+5G>A (NM_001282489.3).
Identifiers: ClinVar variation 1023449 (VCV001023449.16), dbSNP rs1337840598, ClinGen allele CA627592536.